The following is an entry in ClinVar:

NM_000443.4(ABCB4):c.1821A>C (p.Val607=)

Gene: ABCB4 (ATP binding cassette subfamily B member 4; minus strand). Cytogenetic location: 7q21.12.
Variant type: single nucleotide variant.
Coding change: c.1821A>C on transcript NM_000443.4 (MANE Select); coding-DNA position 1821, A replaced by C.
Protein change: p.Val607=; no amino-acid change (valine 607 retained).
Molecular consequence: synonymous variant.
Genome position (GRCh38, 1-based): chr7:87,431,476, T>G on the plus strand (A>C on the coding strand, the complement: ABCB4 is on the minus strand). VCF-style: chr7-87431476-T-G. GRCh37 (hg19) VCF-style: chr7-87060792-T-G.
Other names: c.1821A>C, p.Val607= (NM_018849.3, NM_018850.3).
Identifiers: ClinVar variation 594315 (VCV000594315.40), dbSNP rs546820262, ClinGen allele CA4327201.

ClinVar aggregate classification (germline): Benign/Likely benign. Review status: criteria provided, multiple submitters, no conflicts (2 of 4 stars). 6 submissions from 6 submitters: Benign (1); Likely benign (4). 1 of the submissions does not count toward it. Last evaluated 2025-10-04.

Conditions:
ABCB4-related disorder. Also called: ABCB4-related disorders; ABCB4-related condition.

Allele frequency attached by ClinVar (database versions not stated): gnomAD 0.00001 and 0.00012; TOPMed 0.00003; gnomAD exomes 0.00013 and 0.00031; ExAC 0.00033; 1000 Genomes Project 0.00140; 1000 Genomes Project 30x 0.00156.
gnomAD v4.1: 209 of 1,614,198 alleles (0.013%); highest among the groups gnomAD compares: South Asian, 0.18%; 4 homozygotes.

Submissions (6):

Labcorp Genetics (formerly Invitae), Labcorp
Classification: Benign. Last evaluated: 2025-10-04. Review status: criteria provided, single submitter. Criteria: Invitae Variant Classification Sherloc (09022015). Collection method: clinical testing. Allele origin: germline.

Blueprint Genetics
Classification: Likely benign. Last evaluated: 2024-11-21. Review status: criteria provided, single submitter. Criteria: ACMG Guidelines, 2015. Collection method: clinical testing. Allele origin: germline.

CeGaT Center for Human Genetics Tuebingen
Classification: Likely benign. Last evaluated: 2024-09-01. Review status: criteria provided, single submitter. Criteria: CeGaT Center For Human Genetics Tuebingen Variant Classification Criteria Version 2. Collection method: clinical testing. Allele origin: germline. Affected: yes. Observed: 2 variant alleles.
Comment: ABCB4: BP4, BP7

GeneDx
Classification: Likely benign. Last evaluated: 2018-04-09. Review status: criteria provided, single submitter. Criteria: GeneDx Variant Classification (06012015). Collection method: clinical testing. Allele origin: germline. Affected: yes.
Comment: This variant is considered likely benign or benign based on one or more of the following criteria: it is a conservative change, it occurs at a poorly conserved position in the protein, it is predicted to be benign by multiple in silico algorithms, and/or has population frequency not consistent with disease.

Eurofins Ntd Llc (ga)
Classification: Likely benign. Last evaluated: 2017-10-03. Review status: criteria provided, single submitter. Criteria: EGL Classification Definitions 2015. Collection method: clinical testing. Allele origin: germline. Observed: 2 variant alleles, 2 heterozygotes.

PreventionGenetics, part of Exact Sciences
Classification: Likely benign for ABCB4-related condition. Last evaluated: 2019-06-10. Review status: no assertion criteria provided. Collection method: clinical testing. Allele origin: germline. Not counted in ClinVar's aggregate classification.
Comment: This variant is classified as likely benign based on ACMG/AMP sequence variant interpretation guidelines (Richards et al. 2015 PMID: 25741868, with internal and published modifications).